The following is an entry in ClinVar:

ClinVar aggregate classification (germline): Uncertain significance (1 of 4 stars; one submission).

Conditions:
Inborn genetic diseases. Identifiers: MedGen C0950123, MeSH D030342.

Submission:

Ambry Genetics
Classification: Uncertain significance for Inborn genetic diseases. Last evaluated: 2021-12-15. Review status: criteria provided, single submitter. Criteria: Ambry Variant Classification Scheme 2023. Collection method: clinical testing. Allele origin: germline.
Comment: The c.1079-5_1079-4dupTT alteration is located in Intron 5 (E) of the ADARB1 gene. This alteration consists of a duplication of 2 nucleotides between nucleotide positions c.1079-5 and c.1079-4 within Intron 5 (E). Based on insufficient or conflicting evidence, the clinical significance of this alteration remains unclear.

NM_001112.4(ADARB1):c.1079-5_1079-4dup

Gene: ADARB1 (adenosine deaminase RNA specific B1; plus strand). Cytogenetic location: 21q22.3.
Variant type: Duplication.
Coding change: c.1079-5_1079-4dup on transcript NM_001112.4 (MANE Select); 5 bases into the intron before coding-DNA position 1079 through 4 bases into the intron before coding-DNA position 1079, 2 bases duplicated (TT; older notation c.1079-5_1079-4dupTT).
Molecular consequence: intron variant.
Genome position (GRCh38, 1-based): chr21:45,182,580-45,182,581, TT duplicated; duplicating any 2 consecutive bases within chr21:45,182,569-45,182,581 gives the same sequence; the c. name uses the placement nearest the transcript's 3' end. VCF-style (leftmost placement, unchanged base first): chr21-45182568-C-CTT. GRCh37 (hg19) VCF-style: chr21-46602483-C-CTT.
Other names: c.1079-5_1079-4dup (NM_015833.4, NM_015834.4, NM_001160230.2 and 1 more transcripts); c.1226-5_1226-4dup (NM_001346687.2).
Identifiers: ClinVar variation 2220990 (VCV002220990.2), dbSNP rs373179300, ClinGen allele CA10064255.